The following is an entry in ClinVar:

ClinVar aggregate classification (germline): Conflicting classifications of pathogenicity. Review status: criteria provided, conflicting classifications (1 of 4 stars). 2 submissions from 2 submitters: Uncertain significance (1); Likely benign (1). Last evaluated 2025-10-28.

Conditions:
Inborn genetic diseases. Identifiers: MedGen C0950123, MeSH D030342.

Allele frequency attached by ClinVar (database versions not stated): gnomAD exomes 0.00002 and 0.00003; ExAC 0.00003; gnomAD 0.00003 and 0.00004; TOPMed 0.00003.
gnomAD v4.1: 56 of 1,614,002 alleles (0.0035%); highest among the groups gnomAD compares: Non-Finnish European, 0.0042%; no homozygotes.

Submissions (2):

Ambry Genetics
Classification: Likely benign for Inborn genetic diseases. Last evaluated: 2025-10-28. Review status: criteria provided, single submitter. Criteria: Ambry Variant Classification Scheme 2023. Collection method: clinical testing. Allele origin: germline.

Labcorp Genetics (formerly Invitae), Labcorp
Classification: Uncertain significance. Last evaluated: 2025-10-01. Review status: criteria provided, single submitter. Criteria: Invitae Variant Classification Sherloc (09022015). Collection method: clinical testing. Allele origin: germline.
Comment: This sequence change replaces valine, which is neutral and non-polar, with alanine, which is neutral and non-polar, at codon 483 of the KIAA0753 protein (p.Val483Ala). This variant is present in population databases (rs763752752, gnomAD 0.006%). This variant has not been reported in the literature in individuals affected with KIAA0753-related conditions. ClinVar contains an entry for this variant (Variation ID: 1360969). An algorithm developed to predict the effect of missense changes on protein structure and function outputs the following: PolyPhen-2: "Benign". The alanine amino acid residue is found in multiple mammalian species, which suggests that this missense change does not adversely affect protein function. In summary, the available evidence is currently insufficient to determine the role of this variant in disease. Therefore, it has been classified as a Variant of Uncertain Significance.

NM_014804.3(KIAA0753):c.1448T>C (p.Val483Ala)

Gene: KIAA0753 (KIAA0753; minus strand). Cytogenetic location: 17p13.1.
Variant type: single nucleotide variant.
Coding change: c.1448T>C on transcript NM_014804.3 (MANE Select); coding-DNA position 1448, T replaced by C.
Protein change: p.Val483Ala; replaces valine 483 with alanine.
Molecular consequence: missense variant.
Genome position (GRCh38, 1-based): chr17:6,612,016, A>G on the plus strand (T>C on the coding strand, the complement: KIAA0753 is on the minus strand). VCF-style: chr17-6612016-A-G. GRCh37 (hg19) VCF-style: chr17-6515336-A-G.
Other names: c.1448T>C (NM_014804.2); c.551T>C, p.Val184Ala (NM_001351225.2); short protein forms V483A, V184A.
Identifiers: ClinVar variation 1360969 (VCV001360969.6), dbSNP rs763752752, ClinGen allele CA8330479.